The following is an entry in ClinVar:

NM_006904.7(PRKDC):c.9704A>G (p.Lys3235Arg)

Gene: PRKDC (protein kinase, DNA-activated, catalytic subunit; minus strand). Cytogenetic location: 8q11.21.
Variant type: single nucleotide variant.
Coding change: c.9704A>G on transcript NM_006904.7 (MANE Select); coding-DNA position 9704, A replaced by G.
Protein change: p.Lys3235Arg; replaces lysine 3235 with arginine.
Molecular consequence: missense variant.
Genome position (GRCh38, 1-based): chr8:47,807,180, T>C on the plus strand (A>G on the coding strand, the complement: PRKDC is on the minus strand). VCF-style: chr8-47807180-T-C. GRCh37 (hg19) VCF-style: chr8-48719741-T-C.
Other names: c.9704A>G, p.Lys3235Arg (NM_001081640.2); short protein forms K3235R.
Identifiers: ClinVar variation 1477618 (VCV001477618.3), dbSNP rs1209767774, ClinGen allele CA371137253.

ClinVar aggregate classification (germline): Uncertain significance (1 of 4 stars; one submission).

Conditions:
Severe combined immunodeficiency due to DNA-PKcs deficiency. Also called: IMMUNODEFICIENCY 26 WITH NEUROLOGIC ABNORMALITIES; Immunodeficiency 26 with or without neurologic abnormalities. Identifiers: Orphanet 317425, MedGen C4014833, MONDO:0014423, OMIM 615966.

Allele frequency attached by ClinVar (database versions not stated): gnomAD exomes below 0.00001; TOPMed below 0.00001.
gnomAD v4.1: 13 of 1,613,904 alleles (0.00081%); highest among the groups gnomAD compares: Non-Finnish European, 0.001%; no homozygotes.

Submission:

Labcorp Genetics (formerly Invitae), Labcorp
Classification: Uncertain significance for Severe combined immunodeficiency due to DNA-PKcs deficiency. Last evaluated: 2022-04-15. Review status: criteria provided, single submitter. Criteria: Invitae Variant Classification Sherloc (09022015). Collection method: clinical testing. Allele origin: germline.
Comment: This sequence change replaces lysine, which is basic and polar, with arginine, which is basic and polar, at codon 3235 of the PRKDC protein (p.Lys3235Arg). This variant is present in population databases (no rsID available, gnomAD 0.0009%). This variant has not been reported in the literature in individuals affected with PRKDC-related conditions. Experimental studies and prediction algorithms are not available or were not evaluated, and the functional significance of this variant is currently unknown. In summary, the available evidence is currently insufficient to determine the role of this variant in disease. Therefore, it has been classified as a Variant of Uncertain Significance.